The following is an entry in ClinVar:

NM_004409.5(DMPK):c.*224CTG[1080]

Genes: DM1-AS (DM1 locus antisense RNA; plus strand), DMPK (DM1 protein kinase; minus strand), LOC107075317 (origin of replication in DMPK trinucleotide repeat region; plus strand), LOC109461477 (dystrophia myotonica protein kinase repeat instability region; plus strand). Cytogenetic location: 19q13.32.
Variant type: Microsatellite.
Coding change: c.*224CTG[1080] on transcript NM_004409.5 (MANE Select); 1,080 copies in a row of the 3-base unit CTG starting at c.*224.
Molecular consequence: 3 prime UTR variant.
Genome position: GRCh38, VCF-style position (the base before the change): chr19:45,770,204. GRCh37 (hg19), VCF-style position (the base before the change): chr19:46,273,462.
Other names: DM1 CTG repeat expansion; c.*224CTG[1080] (NM_001424169.1, NM_001081560.3, NM_001288764.2 and 1 more transcripts); c.*217CTG[1080] (NM_001424162.1, NM_001081562.3, NM_001288765.2 and 2 more transcripts); c.*222_*224TGC[1080] (NM_001081563.3); c.*369CTG[1080] (NM_001288766.2, NM_001424164.1, NM_001424168.1).
Identifiers: ClinVar variation 187910 (VCV000187910.1), ClinGen allele CA915951705.

ClinVar aggregate classification (germline): Pathogenic (0 of 4 stars; one submission).

Conditions:
Steinert myotonic dystrophy syndrome (DM1). Also called: STEINERT DISEASE; Myotonic dystrophy type 1; Dystrophia myotonica type 1; Steinert myotonic dystrophy; Steinert's disease. Identifiers: Orphanet 273, MedGen C3250443, MONDO:0008056, OMIM 160900.

Submission:

Institute of Molecular, Cell and Systems Biology, University of Glasgow
Classification: Pathogenic for Steinert myotonic dystrophy syndrome. Review status: no assertion criteria provided. Criteria: research. Collection method: research. Allele origin: germline. Inheritance: Autosomal dominant inheritance. Affected: yes. Observed: 1 heterozygote.
Comment: DMPK CTG repeat expansions greater than approximately 45-50 repeats are assumed to be pathogenic

This record is based on data published in PubMed 25052313, which reports only ClinVar accessions SCV000120188 and SCV000120189. The complete data set includes SCV000207445 - SCV000207579.

Literature cited by the submitters: PubMed 1346923; PubMed 1546326; PubMed 25052313.